The following is an entry in ClinVar:

ClinVar aggregate classification (germline): Pathogenic (1 of 4 stars; one submission).

Conditions:
Intellectual developmental disorder, autosomal dominant 55, with seizures. Also called: MENTAL RETARDATION, AUTOSOMAL DOMINANT 55, WITH SEIZURES; Intellectual disability, autosomal dominant 55, with seizures. Identifiers: MedGen C4693371, MONDO:0030921, OMIM 617831.

Submission:

Institute of Human Genetics, University of Leipzig Medical Center
Classification: Pathogenic for Intellectual developmental disorder, autosomal dominant 55, with seizures. Last evaluated: 2026-07-27. Review status: criteria provided, single submitter. Criteria: ACMG Guidelines, 2015. Collection method: clinical testing. Allele origin: unknown. Inheritance: Autosomal dominant inheritance. Affected: yes.
Comment: Criteria applied: PVS1,PM2

NM_138459.5(NUS1):c.219dup (p.Gly74fs)

Gene: NUS1 (NUS1 dehydrodolichyl diphosphate synthase subunit; plus strand). Cytogenetic location: 6q22.1.
Variant type: Duplication.
Coding change: c.219dup on transcript NM_138459.5 (MANE Select); coding-DNA position 219, one base duplicated (C; older notation c.219dupC).
Protein change: p.Gly74fs; shifts the reading frame from glycine 74.
Molecular consequence: frameshift variant.
Genome position (GRCh38, 1-based): chr6:117,675,889, C duplicated. VCF-style (leftmost placement, unchanged base first): chr6-117675888-G-GC. GRCh37 (hg19) VCF-style: chr6-117997051-G-GC.
Other names: short protein forms G74fs.
Identifiers: ClinVar variation 4890712 (VCV004890712.1).